The following is an entry in ClinVar:

NM_022168.4(IFIH1):c.1471C>T (p.Pro491Ser)

Gene: IFIH1 (interferon induced with helicase C domain 1; minus strand). Cytogenetic location: 2q24.2.
Variant type: single nucleotide variant.
Coding change: c.1471C>T on transcript NM_022168.4 (MANE Select); coding-DNA position 1471, C replaced by T.
Protein change: p.Pro491Ser; replaces proline 491 with serine.
Molecular consequence: missense variant.
Genome position (GRCh38, 1-based): chr2:162,281,381, G>A on the plus strand (C>T on the coding strand, the complement: IFIH1 is on the minus strand). VCF-style: chr2-162281381-G-A. GRCh37 (hg19) VCF-style: chr2-163137891-G-A.
Other names: short protein forms P491S.
Identifiers: ClinVar variation 2069936 (VCV002069936.4), dbSNP rs774768455, ClinGen allele CA1934522.
Genomic context (GRCh38, chr2:162,281,381, plus strand): 5'-GACTTACTTTTAAAATGTGTTCTTCAGCTTTGGCTTGCTTCGTGGCCCCTCCAACACCAG[G>A]TGAAGCTGTTAGTCCCAGTATCTGAGGAAGGGGAATCACTGGTTTGTTTTCTTTCTTGAG-3'
Protein context (NP_071451.2, residues 481-501): LPQILGLTAS[Pro491Ser]GVGGATKQAK

ClinVar aggregate classification (germline): Uncertain significance (1 of 4 stars; one submission).

Conditions:
Singleton-Merten syndrome 1 (SGMRT1). Also called: Widened medullary cavities of bone, aortic calcification, abnormal dentition, and muscular weakness; Syndrome of widened medullary cavities of the metacarpals and phalanges, aortic calcification and abnormal dentition. Identifiers: Orphanet 85191, MedGen C4225427, MONDO:0024535, OMIM 182250.
Aicardi-Goutieres syndrome 7 (AGS7). Identifiers: Orphanet 51, MedGen C3888244, MONDO:0014367, OMIM 615846.

Allele frequency attached by ClinVar (database versions not stated): ExAC 0.00001.
gnomAD v4.1: 1 of 1,612,774 alleles (0.000062%); highest among the groups gnomAD compares: Non-Finnish European, 0.000085%; no homozygotes.

Submission:

Labcorp Genetics (formerly Invitae), Labcorp
Classification: Uncertain significance for Aicardi-Goutieres syndrome 7; Singleton-Merten syndrome 1. Last evaluated: 2022-01-02. Review status: criteria provided, single submitter. Criteria: Invitae Variant Classification Sherloc (09022015). Collection method: clinical testing. Allele origin: germline.
Comment: This sequence change replaces proline, which is neutral and non-polar, with serine, which is neutral and polar, at codon 491 of the IFIH1 protein (p.Pro491Ser). This variant is present in population databases (rs774768455, gnomAD 0.003%). This variant has not been reported in the literature in individuals affected with IFIH1-related conditions. Algorithms developed to predict the effect of missense changes on protein structure and function are either unavailable or do not agree on the potential impact of this missense change (SIFT: "Tolerated"; PolyPhen-2: "Probably Damaging"; Align-GVGD: "Class C0"). In summary, the available evidence is currently insufficient to determine the role of this variant in disease. Therefore, it has been classified as a Variant of Uncertain Significance.